The following is an entry in ClinVar:

ClinVar aggregate classification (germline): Conflicting classifications of pathogenicity. Review status: criteria provided, conflicting classifications (1 of 4 stars). 3 submissions from 3 submitters: Uncertain significance (2); Likely benign (1). Last evaluated 2025-08-04.

Conditions:
Cyclical neutropenia. Also called: Cyclic hematopoiesis; Cyclic Neutropenia. Identifiers: Orphanet 2686, MedGen C0221023, MONDO:0008090, OMIM 162800, HP:0040289. Disease mechanism: loss of function.
Neutropenia, severe congenital, 1, autosomal dominant. Identifiers: MedGen C1859966, MONDO:0042490, OMIM 202700.
Inborn genetic diseases. Identifiers: MedGen C0950123, MeSH D030342.

Allele frequency attached by ClinVar (database versions not stated): gnomAD exomes below 0.00001; gnomAD 0.00001; TOPMed 0.00001.

Submissions (3):

Labcorp Genetics (formerly Invitae), Labcorp
Classification: Uncertain significance for Neutropenia, severe congenital, 1, autosomal dominant; Cyclical neutropenia. Last evaluated: 2025-08-04. Review status: criteria provided, single submitter. Criteria: Invitae Variant Classification Sherloc (09022015). Collection method: clinical testing. Allele origin: germline.
Comment: This sequence change replaces asparagine, which is neutral and polar, with aspartic acid, which is acidic and polar, at codon 88 of the ELANE protein (p.Asn88Asp). This variant is not present in population databases (gnomAD no frequency). This variant has not been reported in the literature in individuals affected with ELANE-related conditions. ClinVar contains an entry for this variant (Variation ID: 842424). Invitae Evidence Modeling of protein sequence and biophysical properties (such as structural, functional, and spatial information, amino acid conservation, physicochemical variation, residue mobility, and thermodynamic stability) indicates that this missense variant is not expected to disrupt ELANE protein function with a negative predictive value of 95%. In summary, the available evidence is currently insufficient to determine the role of this variant in disease. Therefore, it has been classified as a Variant of Uncertain Significance.

Ambry Genetics
Classification: Likely benign for Inborn genetic diseases. Last evaluated: 2025-05-24. Review status: criteria provided, single submitter. Criteria: Ambry Variant Classification Scheme 2023. Collection method: clinical testing. Allele origin: germline.

Blueprint Genetics
Classification: Uncertain significance. Last evaluated: 2024-07-18. Review status: criteria provided, single submitter. Criteria: ACMG Guidelines, 2015. Collection method: clinical testing. Allele origin: germline.

NM_001972.4(ELANE):c.262A>G (p.Asn88Asp)

Gene: ELANE (elastase, neutrophil expressed; plus strand). Cytogenetic location: 19p13.3.
Variant type: single nucleotide variant.
Coding change: c.262A>G on transcript NM_001972.4 (MANE Select); coding-DNA position 262, A replaced by G.
Protein change: p.Asn88Asp; replaces asparagine 88 with aspartic acid.
Molecular consequence: missense variant.
Genome position (GRCh38, 1-based): chr19:853,299, A>G. VCF-style: chr19-853299-A-G. GRCh37 (hg19) VCF-style: chr19-853299-A-G.
Other names: short protein forms N88D.
Identifiers: ClinVar variation 842424 (VCV000842424.14), dbSNP rs899133377, ClinGen allele CA303943204.
Genomic context (GRCh38, chr19:853,299, plus strand): 5'-CCCCGCCTCTCCCTCCCCGGCAGAAACGTCCGCGCGGTGCGGGTGGTCCTGGGAGCCCAT[A>G]ACCTCTCGCGGCGGGAGCCCACCCGGCAGGTGTTCGCCGTGCAGCGCATCTTCGAAAACG-3'
Protein context (NP_001963.1, residues 78-98): RAVRVVLGAH[Asn88Asp]LSRREPTRQV